The following is an entry in ClinVar:

NM_182961.4(SYNE1):c.10160C>G (p.Ala3387Gly)

Gene: SYNE1 (spectrin repeat containing nuclear envelope protein 1; minus strand). Cytogenetic location: 6q25.2.
Variant type: single nucleotide variant.
Coding change: c.10160C>G on transcript NM_182961.4 (MANE Select); coding-DNA position 10160, C replaced by G.
Protein change: p.Ala3387Gly; replaces alanine 3387 with glycine.
Molecular consequence: missense variant.
Genome position (GRCh38, 1-based): chr6:152,362,309, G>C on the plus strand (C>G on the coding strand, the complement: SYNE1 is on the minus strand). VCF-style: chr6-152362309-G-C. GRCh37 (hg19) VCF-style: chr6-152683444-G-C.
Other names: c.10181C>G, p.Ala3394Gly (NM_033071.5); short protein forms A3387G, A3394G.
Identifiers: ClinVar variation 586700 (VCV000586700.12), dbSNP rs201621810, ClinGen allele CA4057039.
Genomic context (GRCh38, chr6:152,362,309, plus strand): 5'-CTATCCATCCAACCGGAGAACTGTCGAACGCCATCCTGATAACTTGTCCACTTGGAGAGA[G>C]CTCCTTCGAGTTGGCTGAAAGGGATTTGAAAGGACAATAAATCCACATTGAGAATCCTTA-3'
Protein context (NP_892006.3, residues 3377-3397): GIRCKSQLEG[Ala3387Gly]LSKWTSYQDG

ClinVar aggregate classification (germline): Uncertain significance. Review status: criteria provided, multiple submitters, no conflicts (2 of 4 stars). 4 submissions from 4 submitters: Uncertain significance (4). Last evaluated 2025-10-02.

Conditions:
Autosomal recessive ataxia, Beauce type. Also called: ATAXIA, RECESSIVE, OF BEAUCE; Spinocerebellar ataxia, autosomal recessive 8; SYNE1 Deficiency; SYNE1-Related Autosomal Recessive Cerebellar Ataxia. Identifiers: Orphanet 88644, MedGen C1853116, MONDO:0012549, OMIM 610743.
Emery-Dreifuss muscular dystrophy 4, autosomal dominant (EDMD4). Also called: EMERY-DREIFUSS MUSCULAR DYSTROPHY 4 WITH VARIABLE FEATURES. Identifiers: Orphanet 261, MedGen C2751807, MONDO:0013071, OMIM 612998.

Allele frequency attached by ClinVar (database versions not stated): gnomAD exomes 0.00005; gnomAD 0.00006; ExAC 0.00007; ESP Exome Variant Server 0.00008; TOPMed 0.00008.
gnomAD v4.1: 146 of 1,614,102 alleles (0.009%); highest among the groups gnomAD compares: Non-Finnish European, 0.012%; no homozygotes.

Submissions (4):

Labcorp Genetics (formerly Invitae), Labcorp
Classification: Uncertain significance for Emery-Dreifuss muscular dystrophy 4, autosomal dominant; Autosomal recessive ataxia, Beauce type. Last evaluated: 2025-10-02. Review status: criteria provided, single submitter. Criteria: Invitae Variant Classification Sherloc (09022015). Collection method: clinical testing. Allele origin: germline.
Comment: This sequence change replaces alanine, which is neutral and non-polar, with glycine, which is neutral and non-polar, at codon 3394 of the SYNE1 protein (p.Ala3394Gly). This variant is present in population databases (rs201621810, gnomAD 0.01%). This variant has not been reported in the literature in individuals affected with SYNE1-related conditions. ClinVar contains an entry for this variant (Variation ID: 586700). An algorithm developed to predict the effect of missense changes on protein structure and function (PolyPhen-2) suggests that this variant is likely to be disruptive. In summary, the available evidence is currently insufficient to determine the role of this variant in disease. Therefore, it has been classified as a Variant of Uncertain Significance.

Blueprint Genetics
Classification: Uncertain significance. Last evaluated: 2024-01-10. Review status: criteria provided, single submitter. Criteria: ACMG Guidelines, 2015. Collection method: clinical testing. Allele origin: germline.

Revvity Omics, Revvity
Classification: Uncertain significance. Last evaluated: 2021-04-13. Review status: criteria provided, single submitter. Criteria: ACMG Guidelines, 2015. Collection method: clinical testing. Allele origin: germline.

Athena Diagnostics
Classification: Uncertain significance. Last evaluated: 2018-03-29. Review status: criteria provided, single submitter. Criteria: Athena Diagnostics Criteria. Collection method: clinical testing. Allele origin: germline.